The following is an entry in ClinVar:

NM_022482.5(GZF1):c.644C>T (p.Pro215Leu)

Gene: GZF1 (GDNF inducible zinc finger protein 1; plus strand). Cytogenetic location: 20p11.21.
Variant type: single nucleotide variant.
Coding change: c.644C>T on transcript NM_022482.5 (MANE Select); coding-DNA position 644, C replaced by T.
Protein change: p.Pro215Leu; replaces proline 215 with leucine.
Molecular consequence: missense variant.
Genome position (GRCh38, 1-based): chr20:23,365,027, C>T. VCF-style: chr20-23365027-C-T. GRCh37 (hg19) VCF-style: chr20-23345664-C-T.
Other names: c.644C>T, p.Pro215Leu (NM_001317012.2, NM_001317019.1); short protein forms P215L.
Identifiers: ClinVar variation 2094244 (VCV002094244.4), dbSNP rs1981141630, ClinGen allele CA408410012.

ClinVar aggregate classification (germline): Uncertain significance (1 of 4 stars; one submission).

Allele frequency attached by ClinVar (database versions not stated): gnomAD exomes below 0.00001; TOPMed below 0.00001; gnomAD 0.00001.
gnomAD v4.1: 5 of 1,614,026 alleles (0.00031%); highest among the groups gnomAD compares: Non-Finnish European, 0.00042%; no homozygotes.

Submission:

Labcorp Genetics (formerly Invitae), Labcorp
Classification: Uncertain significance. Last evaluated: 2022-12-02. Review status: criteria provided, single submitter. Criteria: Invitae Variant Classification Sherloc (09022015). Collection method: clinical testing. Allele origin: germline.
Comment: This variant has not been reported in the literature in individuals affected with GZF1-related conditions. This variant is not present in population databases (gnomAD no frequency). This sequence change replaces proline, which is neutral and non-polar, with leucine, which is neutral and non-polar, at codon 215 of the GZF1 protein (p.Pro215Leu). In summary, the available evidence is currently insufficient to determine the role of this variant in disease. Therefore, it has been classified as a Variant of Uncertain Significance. Algorithms developed to predict the effect of missense changes on protein structure and function output the following: SIFT: "Not Available"; PolyPhen-2: "Benign"; Align-GVGD: "Not Available". The leucine amino acid residue is found in multiple mammalian species, which suggests that this missense change does not adversely affect protein function.